The following is an entry in ClinVar:

ClinVar aggregate classification (germline): Pathogenic (1 of 4 stars; one submission).

Conditions:
Inborn genetic diseases. Identifiers: MedGen C0950123, MeSH D030342.
Ocular cystinosis. Also called: Non-Nephropathic Cystinosis; Non-Nephropathic (Ocular) Cystinosis. Identifiers: Orphanet 213, Orphanet 411641, MedGen C2931013, MONDO:0009064, OMIM 219750.
Juvenile nephropathic cystinosis. Also called: Intermediate Cystinosis; CYSTINOSIS, LATE-ONSET JUVENILE OR ADOLESCENT NEPHROPATHIC TYPE; Later-Onset (Juvenile) Cystinosis. Identifiers: Orphanet 213, Orphanet 411634, MedGen C0268626, MONDO:0009066, OMIM 219900.

Submission:

Labcorp Genetics (formerly Invitae), Labcorp
Classification: Pathogenic for Inborn genetic diseases; Ocular cystinosis; Juvenile nephropathic cystinosis. Last evaluated: 2023-09-05. Review status: criteria provided, single submitter. Criteria: Invitae Variant Classification Sherloc (09022015). Collection method: clinical testing. Allele origin: germline.
Comment: For these reasons, this variant has been classified as Pathogenic. Algorithms developed to predict the effect of sequence changes on RNA splicing suggest that this variant may disrupt the consensus splice site. Disruption of this splice site has been observed in individual(s) with cystinosis (PMID: 9537412). In at least one individual the data is consistent with being in trans (on the opposite chromosome) from a pathogenic variant. This variant is not present in population databases (gnomAD no frequency). This sequence change affects a donor splice site in intron 4 of the CTNS gene. It is expected to disrupt RNA splicing. Variants that disrupt the donor or acceptor splice site typically lead to a loss of protein function (PMID: 16199547), and loss-of-function variants in CTNS are known to be pathogenic (PMID: 9537412, 27102039).

Literature cited by the submitters: PubMed 9537412; PubMed 16199547; PubMed 27102039.

NM_004937.3(CTNS):c.140+1G>A

Gene: CTNS (cystinosin, lysosomal cystine transporter; plus strand). Cytogenetic location: 17p13.2.
Variant type: single nucleotide variant.
Coding change: c.140+1G>A on transcript NM_004937.3 (MANE Select); the canonical splice donor site of the intron after coding-DNA position 140, G replaced by A.
Molecular consequence: splice donor variant. On other transcripts: intron variant (1).
Genome position (GRCh38, 1-based): chr17:3,647,523, G>A. VCF-style: chr17-3647523-G-A. GRCh37 (hg19) VCF-style: chr17-3550817-G-A.
Other names: c.140+1G>A (NM_001031681.3, NM_001374492.1); c.-217+1G>A (NM_001374493.1, NM_001374496.1); c.-217+7256G>A (NM_001374495.1); c.-302+1G>A (NM_001374494.1).
Identifiers: ClinVar variation 2936826 (VCV002936826.3), dbSNP rs1567701415, ClinGen allele CA397687207.